The following is an entry in ClinVar:

ClinVar aggregate classification (germline): Pathogenic. Review status: criteria provided, multiple submitters, no conflicts (2 of 4 stars). 5 submissions from 5 submitters: Pathogenic (5). Last evaluated 2025-10-05.

Conditions:
Retinitis pigmentosa 25 (RP25). Identifiers: Orphanet 791, MedGen C1864446, MONDO:0011272, OMIM 602772.

gnomAD v4.1: 3 of 1,551,324 alleles (0.00019%); highest among the groups gnomAD compares: Non-Finnish European, 0.00026%; no homozygotes.

Submissions (5):

Natera, Inc.
Classification: Pathogenic for Retinitis pigmentosa type 25. Last evaluated: 2025-10-05. Review status: criteria provided, single submitter. Criteria: Natera Variant Classification Schema (03/2026). Collection method: clinical testing. Allele origin: germline.
Comment: The c.5283T>A variant in EYS is a nonsense variant predicted to introduce a stop codon at amino acid 1761. This variant is expected to result in nonsense mediated decay, truncation, or a dysfunctional protein product. This variant is rare in the general population with a frequency below the threshold expected for the associated phenotype(s). This variant has been observed in one or more individuals affected with the associated recessive disease, as either homozygous or compound heterozygous with a second variant (PMID: 29159838). Given the available evidence, this variant is classified as Pathogenic.

Labcorp Genetics (formerly Invitae), Labcorp
Classification: Pathogenic. Last evaluated: 2024-10-28. Review status: criteria provided, single submitter. Criteria: Invitae Variant Classification Sherloc (09022015). Collection method: clinical testing. Allele origin: germline.
Comment: This sequence change creates a premature translational stop signal (p.Tyr1761*) in the EYS gene. It is expected to result in an absent or disrupted protein product. Loss-of-function variants in EYS are known to be pathogenic (PMID: 18836446, 20333770). This variant is not present in population databases (gnomAD no frequency). This premature translational stop signal has been observed in individual(s) with inherited retinal dystrophy (PMID: 29159838). ClinVar contains an entry for this variant (Variation ID: 1213996). For these reasons, this variant has been classified as Pathogenic.

Myriad Genetics, Inc.
Classification: Pathogenic for Retinitis pigmentosa 25. Last evaluated: 2024-05-14. Review status: criteria provided, single submitter. Criteria: Myriad Autosomal Dominant, Autosomal Recessive and X-Linked Classification Criteria (2023). Collection method: clinical testing. Allele origin: unknown.
Comment: NM_001142800.1(EYS):c.5283T>A(Y1761*) is expected to be pathogenic in the context of retinitis pigmentosa, EYS-related. This variant is predicted to lead to an abnormal or absent protein product due to the creation of a premature termination codon in EYS, a gene where loss-of-function variants are known to be pathogenic. Please note: this variant was assessed in the context of healthy population screening.

Baylor Genetics
Classification: Pathogenic for Retinitis pigmentosa 25. Last evaluated: 2022-09-27. Review status: criteria provided, single submitter. Criteria: ACMG Guidelines, 2015. Collection method: clinical testing. Allele origin: unknown.

DBGen Ocular Genomics
Classification: Pathogenic for Retinitis pigmentosa 25. Last evaluated: 2021-06-11. Review status: criteria provided, single submitter. Criteria: ACMG Guidelines, 2015. Collection method: clinical testing. Allele origin: germline. Affected: yes. Observed: 1 variant allele.

Literature cited by the submitters: PubMed 29159838 (cited by Natera, Inc. and Labcorp Genetics (formerly Invitae), Labcorp); PubMed 18836446 (cited by Labcorp Genetics (formerly Invitae), Labcorp); PubMed 20333770 (cited by Labcorp Genetics (formerly Invitae), Labcorp).

NM_001142800.2(EYS):c.5283T>A (p.Tyr1761Ter)

Gene: EYS (EGF-like photoreceptor maintenance factor; minus strand). Cytogenetic location: 6q12.
Variant type: single nucleotide variant.
Coding change: c.5283T>A on transcript NM_001142800.2 (MANE Select); coding-DNA position 5283, T replaced by A.
Protein change: p.Tyr1761Ter; replaces tyrosine 1761 with a stop codon.
Molecular consequence: nonsense.
Genome position (GRCh38, 1-based): chr6:64,590,584, A>T on the plus strand (T>A on the coding strand, the complement: EYS is on the minus strand). VCF-style: chr6-64590584-A-T. GRCh37 (hg19) VCF-style: chr6-65300477-A-T.
Other names: c.5283T>A, p.Tyr1761Ter (NM_001292009.2); c.5283T>A (NM_001142800.1); short protein forms Y1761*.
Identifiers: ClinVar variation 1213996 (VCV001213996.11), dbSNP rs1158231145, ClinGen allele CA364781435.
Genomic context (GRCh38, chr6:64,590,584, plus strand): 5'-CACTGAGCCTGTCAATGGTGGCAGATTATTTTTGAAGTCATTTGCATGTGTAATTTCTGA[A>T]TATGTCTTTAAAGTAACATCCGGATAAATTTGTAAGTTTAACTCAAAATCCAGAGAACTA-3'